The following is an entry in ClinVar:

NM_030665.4(RAI1):c.442A>C (p.Lys148Gln)

Gene: RAI1 (retinoic acid induced 1; plus strand). Cytogenetic location: 17p11.2.
Variant type: single nucleotide variant.
Coding change: c.442A>C on transcript NM_030665.4 (MANE Select); coding-DNA position 442, A replaced by C.
Protein change: p.Lys148Gln; replaces lysine 148 with glutamine.
Molecular consequence: missense variant.
Genome position (GRCh38, 1-based): chr17:17,793,390, A>C. VCF-style: chr17-17793390-A-C. GRCh37 (hg19) VCF-style: chr17-17696704-A-C.
Other names: c.442A>C (NM_030665.3); short protein forms K148Q.
Identifiers: ClinVar variation 3607703 (VCV003607703.3).
Genomic context (GRCh38, chr17:17,793,390, plus strand): 5'-CCCCCACAGCCGCAGCCACTACCTGCAGGGGTGGCCAAGTATGATGAGAACTTGATGAAA[A>C]AGACAGCAGTGCCCCCCAGCAGGCAGTATGCAGAGCAGGGCGCCCAGGTGCCCTTTCGGA-3'
Protein context (NP_109590.3, residues 138-158): VAKYDENLMK[Lys148Gln]TAVPPSRQYA

ClinVar aggregate classification (germline): Likely benign. Review status: criteria provided, multiple submitters, no conflicts (2 of 4 stars). 2 submissions from 2 submitters: Likely benign (2). Last evaluated 2025-10-28.

Conditions:
RAI1-related disorder. Also called: RAI1-related condition.

gnomAD v4.1: 21 of 1,613,372 alleles (0.0013%); highest among the groups gnomAD compares: South Asian, 0.0066%; no homozygotes.

Submissions (2):

PreventionGenetics, part of Exact Sciences
Classification: Likely benign for RAI1-related condition. Last evaluated: 2025-10-28. Review status: criteria provided, single submitter. Criteria: ACMG Guidelines, 2015. Collection method: clinical testing. Allele origin: germline.
Comment: This variant is classified as likely benign based on ACMG/AMP sequence variant interpretation guidelines (Richards et al. 2015 PMID: 25741868, with internal and published modifications).

Labcorp Genetics (formerly Invitae), Labcorp
Classification: Likely benign. Last evaluated: 2025-05-30. Review status: criteria provided, single submitter. Criteria: Invitae Variant Classification Sherloc (09022015). Collection method: clinical testing. Allele origin: germline.